The following is an entry in ClinVar:

ClinVar aggregate classification (germline): Uncertain significance (1 of 4 stars; one submission).

Conditions:
Bifunctional peroxisomal enzyme deficiency (DBIF). Also called: PBFE DEFICIENCY; D-bifunctional protein deficiency; DBP DEFICIENCY. Identifiers: Orphanet 300, MedGen C0342870, MONDO:0009855, OMIM 261515. Disease mechanism: loss of function.
Perrault syndrome. Also called: Gonadal dysgenesis with auditory dysfunction, autosomal recessive inheritance. Identifiers: Orphanet 2855, MedGen C0685838, MONDO:0017312.

Submission:

Labcorp Genetics (formerly Invitae), Labcorp
Classification: Uncertain significance for Perrault syndrome; Bifunctional peroxisomal enzyme deficiency. Last evaluated: 2021-09-20. Review status: criteria provided, single submitter. Criteria: Invitae Variant Classification Sherloc (09022015). Collection method: clinical testing. Allele origin: germline.
Comment: This sequence change replaces asparagine with aspartic acid at codon 272 of the HSD17B4 protein (p.Asn272Asp). The asparagine residue is weakly conserved and there is a small physicochemical difference between asparagine and aspartic acid. This variant is not present in population databases (ExAC no frequency). This variant has not been reported in the literature in individuals affected with HSD17B4-related conditions. Advanced modeling of protein sequence and biophysical properties (such as structural, functional, and spatial information, amino acid conservation, physicochemical variation, residue mobility, and thermodynamic stability) performed at Invitae indicates that this missense variant is not expected to disrupt HSD17B4 protein function. In summary, the available evidence is currently insufficient to determine the role of this variant in disease. Therefore, it has been classified as a Variant of Uncertain Significance.

NM_000414.4(HSD17B4):c.814A>G (p.Asn272Asp)

Gene: HSD17B4 (hydroxysteroid 17-beta dehydrogenase 4; plus strand). Cytogenetic location: 5q23.1.
Variant type: single nucleotide variant.
Coding change: c.814A>G on transcript NM_000414.4 (MANE Select); coding-DNA position 814, A replaced by G.
Protein change: p.Asn272Asp; replaces asparagine 272 with aspartic acid.
Molecular consequence: missense variant. On other transcripts: non-coding transcript variant (2).
Genome position (GRCh38, 1-based): chr5:119,493,892, A>G. VCF-style: chr5-119493892-A-G. GRCh37 (hg19) VCF-style: chr5-118829587-A-G.
Other names: c.889A>G, p.Asn297Asp (NM_001199291.3); c.760A>G, p.Asn254Asp (NM_001199292.2); c.742A>G, p.Asn248Asp (NM_001292027.2); c.394A>G, p.Asn132Asp (NM_001292028.2); c.805A>G, p.Asn269Asp (NM_001374497.1); c.814A>G, p.Asn272Asp (NM_001374498.1); c.487A>G, p.Asn163Asp (NM_001374499.1); c.373A>G, p.Asn125Asp (NM_001374500.1); and 1 more; short protein forms N132D, N163D, N248D, N269D, N125D, N254D, N272D, N135D.
Identifiers: ClinVar variation 1505048 (VCV001505048.6), dbSNP rs2126758919, ClinGen allele CA360867299.